The following is an entry in ClinVar:

ClinVar aggregate classification (germline): Pathogenic (1 of 4 stars; one submission).

Conditions:
Mendelian susceptibility to mycobacterial diseases due to partial STAT1 deficiency. Also called: IMMUNODEFICIENCY 31A, MYCOBACTERIOSIS, AUTOSOMAL DOMINANT; STAT1 DEFICIENCY, AUTOSOMAL DOMINANT; Immunodeficiency 31a. Identifiers: Orphanet 319595, MedGen C4013950, MONDO:0013956, OMIM 614892.
Immunodeficiency 31B. Also called: STAT1 DEFICIENCY, AUTOSOMAL RECESSIVE; IMMUNODEFICIENCY 31B, MYCOBACTERIAL AND VIRAL INFECTIONS, AUTOSOMAL RECESSIVE. Identifiers: Orphanet 391311, MedGen C3151088, MONDO:0013427, OMIM 613796.
Autoimmune enteropathy and endocrinopathy - susceptibility to chronic infections syndrome. Also called: Immunodeficiency 31C, autosomal dominant; Immunodeficiency 31C. Identifiers: Orphanet 391487, MedGen C3279990, MONDO:0013599, OMIM 614162.

Submission:

Labcorp Genetics (formerly Invitae), Labcorp
Classification: Pathogenic for Mendelian susceptibility to mycobacterial diseases due to partial STAT1 deficiency; Immunodeficiency 31B; Autoimmune enteropathy and endocrinopathy - susceptibility to chronic infections syndrome. Last evaluated: 2024-05-14. Review status: criteria provided, single submitter. Criteria: Invitae Variant Classification Sherloc (09022015). Collection method: clinical testing. Allele origin: germline.
Comment: This sequence change creates a premature translational stop signal (p.Thr227Asnfs*7) in the STAT1 gene. It is expected to result in an absent or disrupted protein product. Loss-of-function variants in STAT1 are known to be pathogenic (PMID: 22651901). This variant is not present in population databases (gnomAD no frequency). This variant has not been reported in the literature in individuals affected with STAT1-related conditions. For these reasons, this variant has been classified as Pathogenic.

Literature cited by the submitters: PubMed 22651901.

NM_007315.4(STAT1):c.679dup (p.Thr227fs)

Gene: STAT1 (signal transducer and activator of transcription 1; minus strand). Cytogenetic location: 2q32.2.
Variant type: Duplication.
Coding change: c.679dup on transcript NM_007315.4 (MANE Select); coding-DNA position 679, one base duplicated (A; older notation c.679dupA).
Protein change: p.Thr227fs; shifts the reading frame from threonine 227.
Molecular consequence: frameshift variant.
Genome position (GRCh38, 1-based): chr2:190,997,962, T duplicated on the plus strand (A on the coding strand, the reverse complement: STAT1 is on the minus strand). VCF-style (leftmost placement, unchanged base first): chr2-190997961-G-GT. GRCh37 (hg19) VCF-style: chr2-191862687-G-GT.
Other names: c.580dup, p.Thr194fs (NM_001384883.1); c.685dup, p.Thr229fs (NM_001384884.1, NM_001384881.1); c.679dup, p.Thr227fs (NM_001384885.1, NM_001384889.1, NM_139266.3 and 5 more transcripts); c.589dup, p.Thr197fs (NM_001384890.1); c.715dup, p.Thr239fs (NM_001384891.1); short protein forms T194fs, T197fs, T227fs, T229fs, T239fs.
Identifiers: ClinVar variation 3750632 (VCV003750632.2).
Genomic context (GRCh38, chr2:190,997,961, plus strand): 5'-CAGGCGCTCTGCTGTCTCCGCTTCCACTCCACTAGTTCATCATTAATCAGGGCATTCTGG[G>GT]TAAGTTCAGTGACATTCAGCAACTCTATTATTTTGTGAACTACTTCCTAAAGGCAATAGA-3'